The following is an entry in ClinVar:

ClinVar aggregate classification (germline): Uncertain significance (1 of 4 stars; one submission).

Conditions:
Autosomal recessive mendelian susceptibility to mycobacterial diseases due to complete RORgamma receptor deficiency. Also called: Immunodeficiency 42. Identifiers: Orphanet 477857, MedGen C5567647, MONDO:0014710, OMIM 616622.

Allele frequency attached by ClinVar (database versions not stated): gnomAD 0.00003; TOPMed 0.00003.
gnomAD v4.1: 16 of 1,613,838 alleles (0.00099%); highest among the groups gnomAD compares: African/African-American, 0.021%; no homozygotes.

Submission:

Labcorp Genetics (formerly Invitae), Labcorp
Classification: Uncertain significance for Autosomal recessive mendelian susceptibility to mycobacterial diseases due to complete RORgamma receptor deficiency. Last evaluated: 2022-03-12. Review status: criteria provided, single submitter. Criteria: Invitae Variant Classification Sherloc (09022015). Collection method: clinical testing. Allele origin: germline.
Comment: This sequence change falls in intron 7 of the RORC gene. It does not directly change the encoded amino acid sequence of the RORC protein. This variant is present in population databases (no rsID available, gnomAD 0.01%). This variant has not been reported in the literature in individuals affected with RORC-related conditions. Algorithms developed to predict the effect of sequence changes on RNA splicing suggest that this variant may create or strengthen a splice site. In summary, the available evidence is currently insufficient to determine the role of this variant in disease. Therefore, it has been classified as a Variant of Uncertain Significance.

NM_005060.4(RORC):c.1066+18G>A

Gene: RORC (RAR related orphan receptor C; minus strand). Cytogenetic location: 1q21.3.
Variant type: single nucleotide variant.
Coding change: c.1066+18G>A on transcript NM_005060.4 (MANE Select); 18 bases into the intron after coding-DNA position 1066, G replaced by A.
Molecular consequence: intron variant.
Genome position (GRCh38, 1-based): chr1:151,813,470, C>T on the plus strand (G>A on the coding strand, the complement: RORC is on the minus strand). VCF-style: chr1-151813470-C-T. GRCh37 (hg19) VCF-style: chr1-151785946-C-T.
Other names: c.1003+18G>A (NM_001001523.2).
Identifiers: ClinVar variation 1983770 (VCV001983770.1), dbSNP rs1005154151, ClinGen allele CA30493672.